The following is an entry in ClinVar:

ClinVar aggregate classification (germline): Conflicting classifications of pathogenicity. Review status: criteria provided, conflicting classifications (1 of 4 stars). 4 submissions from 4 submitters: Uncertain significance (1); Benign (1); Likely benign (1). 1 of the submissions does not count toward it. Last evaluated 2025-11-26.

Conditions:
Inborn genetic diseases. Identifiers: MedGen C0950123, MeSH D030342.
PIEZO1-related disorder. Also called: PIEZO1-related condition; PIEZO1-Related Disorders.

Allele frequency attached by ClinVar (database versions not stated): gnomAD exomes 0.00006 and 0.00022; gnomAD 0.00015 and 0.00016; TOPMed 0.00017; 1000 Genomes Project 0.00020; 1000 Genomes Project 30x 0.00031.
gnomAD v4.1: 109 of 1,548,420 alleles (0.007%); highest among the groups gnomAD compares: Admixed American, 0.069%; no homozygotes.

Submissions (4):

Ambry Genetics
Classification: Uncertain significance for Inborn genetic diseases. Last evaluated: 2025-11-26. Review status: criteria provided, single submitter. Criteria: Ambry Variant Classification Scheme 2023. Collection method: clinical testing. Allele origin: germline.

ARUP Laboratories, Molecular Genetics and Genomics, ARUP Laboratories
Classification: Likely benign. Last evaluated: 2025-06-30. Review status: criteria provided, single submitter. Criteria: ARUP Molecular Germline Variant Investigation Process 2024. Collection method: clinical testing. Allele origin: germline.

Labcorp Genetics (formerly Invitae), Labcorp
Classification: Benign. Last evaluated: 2024-05-18. Review status: criteria provided, single submitter. Criteria: Invitae Variant Classification Sherloc (09022015). Collection method: clinical testing. Allele origin: germline.

PreventionGenetics, part of Exact Sciences
Classification: Uncertain significance for PIEZO1-related condition. Last evaluated: 2024-09-12. Review status: no assertion criteria provided. Collection method: clinical testing. Allele origin: germline. Not counted in ClinVar's aggregate classification.
Comment: The PIEZO1 c.4891C>T variant is predicted to result in the amino acid substitution p.Arg1631Cys. To our knowledge, this variant has not been reported in the literature. This variant is reported in 0.13% of alleles in individuals of Latino descent in gnomAD. Although we suspect that this variant may be benign, at this time, the clinical significance of this variant is uncertain due to the absence of conclusive functional and genetic evidence.

NM_001142864.4(PIEZO1):c.4891C>T (p.Arg1631Cys)

Gene: PIEZO1 (piezo type mechanosensitive ion channel component 1 (Er blood group); minus strand). Cytogenetic location: 16q24.3.
Variant type: single nucleotide variant.
Coding change: c.4891C>T on transcript NM_001142864.4 (MANE Select); coding-DNA position 4891, C replaced by T.
Protein change: p.Arg1631Cys; replaces arginine 1631 with cysteine.
Molecular consequence: missense variant.
Genome position (GRCh38, 1-based): chr16:88,722,282, G>A on the plus strand (C>T on the coding strand, the complement: PIEZO1 is on the minus strand). VCF-style: chr16-88722282-G-A. GRCh37 (hg19) VCF-style: chr16-88788690-G-A.
Other names: c.4891C>T (NM_001142864.3, NM_001142864.2); short protein forms R1631C.
Identifiers: ClinVar variation 1331035 (VCV001331035.15), dbSNP rs566969453, ClinGen allele CA286409747.
Genomic context (GRCh38, chr16:88,722,282, plus strand): 5'-CCAGGAGCAGCTCGCTGGCCGTCCGCATCAGTCCCTGGTACAGAGAGGCACCAGCCTCAC[G>A]CTCCCCGGGGTCGGTGACTGCCTCCTCACTGCCACTGCGCGTGTGGTAGCCGGTGCTCAG-3'
Protein context (NP_001136336.2, residues 1621-1641): SEEAVTDPGE[Arg1631Cys]EAGASLYQGL